The following is an entry in ClinVar:

NM_016203.4(PRKAG2):c.*5C>T

Gene: PRKAG2 (protein kinase AMP-activated non-catalytic subunit gamma 2; minus strand). Cytogenetic location: 7q36.1.
Variant type: single nucleotide variant.
Coding change: c.*5C>T on transcript NM_016203.4 (MANE Select); 5 bases downstream of the stop codon, C replaced by T.
Molecular consequence: 3 prime UTR variant.
Genome position (GRCh38, 1-based): chr7:151,557,196, G>A on the plus strand (C>T on the coding strand, the complement: PRKAG2 is on the minus strand). VCF-style: chr7-151557196-G-A. GRCh37 (hg19) VCF-style: chr7-151254282-G-A.
Other names: c.*5C>T (NM_001040633.2, NM_001304527.2, NM_001304531.2 and 3 more transcripts).
Identifiers: ClinVar variation 924992 (VCV000924992.5), dbSNP rs538072043, ClinGen allele CA057668.

ClinVar aggregate classification (germline): Benign/Likely benign. Review status: criteria provided, multiple submitters, no conflicts (2 of 4 stars). 3 submissions from 3 submitters: Benign (1); Likely benign (1). 1 of the submissions does not count toward it. Last evaluated 2025-04-07.

Conditions:
PRKAG2-related disorder. Also called: PRKAG2-related disorders; PRKAG2-related condition.
Cardiomyopathy (CMYO). Also called: Cardiomyopathies. Identifiers: Orphanet 167848, MedGen C0878544, MONDO:0004994, HP:0001638. Inheritance: Various modes of inheritance.

Allele frequency attached by ClinVar (database versions not stated): gnomAD 0.00006 and 0.00005; ExAC 0.00003; TOPMed 0.00005; gnomAD exomes 0.00003 and 0.00001; 1000 Genomes Project 30x 0.00016; 1000 Genomes Project 0.00020.
gnomAD v4.1: 28 of 1,614,128 alleles (0.0017%); highest among the groups gnomAD compares: East Asian, 0.02%; no homozygotes.

Submissions (3):

Women's Health and Genetics/Laboratory Corporation of America, LabCorp
Classification: Benign. Last evaluated: 2025-04-07. Review status: criteria provided, single submitter. Criteria: LabCorp Variant Classification Summary - May 2015. Collection method: clinical testing. Allele origin: germline.
Comment: Variant summary: PRKAG2 c.*5C>T is located in the untranslated mRNA region downstream of the termination codon. The variant allele was found at a frequency of 3.6e-05 in 281390 control chromosomes (gnomAD). The observed variant frequency is approximately 1.4 fold of the estimated maximal expected allele frequency for a pathogenic variant in PRKAG2 causing Cardiomyopathy phenotype (2.5e-05). To our knowledge, no occurrence of c.*5C>T in individuals affected with Cardiomyopathy and no experimental evidence demonstrating its impact on protein function have been reported. ClinVar contains an entry for this variant (Variation ID: 924992). Based on the evidence outlined above, the variant was classified as benign.

Color Diagnostics, LLC DBA Color Health
Classification: Likely benign for Cardiomyopathy. Last evaluated: 2018-11-21. Review status: criteria provided, single submitter. Criteria: ACMG Guidelines, 2015. Collection method: clinical testing. Allele origin: germline.

PreventionGenetics, part of Exact Sciences
Classification: Likely benign for PRKAG2-related condition. Last evaluated: 2020-11-25. Review status: no assertion criteria provided. Collection method: clinical testing. Allele origin: germline. Not counted in ClinVar's aggregate classification.
Comment: This variant is classified as likely benign based on ACMG/AMP sequence variant interpretation guidelines (Richards et al. 2015 PMID: 25741868, with internal and published modifications).